The following is an entry in ClinVar:

NC_000017.10:g.(?_41247857)_(41251903_?)del

Gene: BRCA1 (BRCA1 DNA repair associated; minus strand). Cytogenetic location: 17q21.31.
Variant type: Deletion.
Identifiers: ClinVar variation 1066579 (VCV001066579.3).

ClinVar aggregate classification (germline): Likely pathogenic (1 of 4 stars; one submission).

Conditions:
Hereditary breast ovarian cancer syndrome. Also called: Hereditary breast and ovarian cancer syndrome (HBOC); Breast and ovarian cancer; Hereditary breast and/or ovarian cancer syndrome; BRCA1- and BRCA2-Associated Hereditary Breast and Ovarian Cancer; Hereditary breast and ovarian cancer syndrome; Hereditary breast and ovarian cancer. Identifiers: Orphanet 145, MedGen C0677776, MeSH D061325, MONDO:0003582. Disease mechanism: loss of function.

Submission:

Labcorp Genetics (formerly Invitae), Labcorp
Classification: Likely pathogenic for Hereditary breast ovarian cancer syndrome. Last evaluated: 2017-01-11. Review status: criteria provided, single submitter. Criteria: Invitae Variant Classification Sherloc (09022015). Collection method: clinical testing. Allele origin: germline.
Comment: In summary, this is a gross deletion that affects several splice sites, including the acceptor splice site at intron 9. Donor and acceptor splice site variants are typically truncating (PMID: 16199547), and truncating variants in BRCA1 are known to be pathogenic (PMID: 20104584). However, without additional functional and/or genetic data, this variant has been classified as Likely Pathogenic. This variant has not been reported in the literature in individuals with a BRCA1-related disease. This variant is a gross deletion of the genomic region encompassing exons 7-9 and the first 450 amino acids of exon 10 of the BRCA1 gene (c.442-841_2022del). The 5' breakpoint of this deletion is within intron 6 at c.442-841; the 3' breakpoint is within exon 10 at c.2022. This deletion is in-frame, however it deletes the acceptor splice site in intron 9. It is expected to disrupt mRNA splicing and likely results in an absent or disrupted protein product.

Literature cited by the submitters: PubMed 16199547; PubMed 20104584.